The following is an entry in ClinVar:

ClinVar aggregate classification (germline): Pathogenic/Likely pathogenic. Review status: criteria provided, multiple submitters, no conflicts (2 of 4 stars). 2 submissions from 2 submitters: Pathogenic (1); Likely pathogenic (1). Last evaluated 2025-12-29.

Conditions:
Metachromatic leukodystrophy (MLD). Also called: Arylsulfatase A Deficiency; SULFATIDE LIPIDOSIS; ARSA DEFICIENCY; CEREBROSIDE SULFATASE DEFICIENCY; Cerebral sclerosis diffuse metachromatic form; METACHROMATIC LEUKOENCEPHALOPATHY. Identifiers: Orphanet 512, MedGen C0023522, MONDO:0018868, OMIM 250100.

Submissions (2):

Natera, Inc.
Classification: Likely pathogenic for Metachromatic leukodystrophy. Last evaluated: 2025-12-29. Review status: criteria provided, single submitter. Criteria: Natera Variant Classification Schema (03/2026). Collection method: clinical testing. Allele origin: germline.
Comment: The c.1447G>T variant in ARSA is a nonsense variant predicted to introduce a stop codon at amino acid 483. This variant is expected to result in nonsense mediated decay, truncation, or a dysfunctional protein product. This variant is rare in the general population with a frequency below the threshold expected for the associated phenotype(s). Given the available evidence, this variant is classified as Likely Pathogenic.

Labcorp Genetics (formerly Invitae), Labcorp
Classification: Pathogenic for Metachromatic leukodystrophy. Last evaluated: 2025-06-14. Review status: criteria provided, single submitter. Criteria: Invitae Variant Classification Sherloc (09022015). Collection method: clinical testing. Allele origin: germline.
Comment: This sequence change creates a premature translational stop signal (p.Glu483*) in the ARSA gene. While this is not anticipated to result in nonsense mediated decay, it is expected to disrupt the last 27 amino acid(s) of the ARSA protein. This variant is present in population databases (rs148352371, gnomAD 0.009%). This variant has not been reported in the literature in individuals affected with ARSA-related conditions. ClinVar contains an entry for this variant (Variation ID: 941799). This variant disrupts a region of the ARSA protein in which other variant(s) (p.Cys495Phe) have been determined to be pathogenic (PMID: 19021637). This suggests that this is a clinically significant region of the protein, and that variants that disrupt it are likely to be disease-causing. For these reasons, this variant has been classified as Pathogenic.

Literature cited by the submitters: PubMed 19021637 (cited by Labcorp Genetics (formerly Invitae), Labcorp).

NM_000487.6(ARSA):c.1447G>T (p.Glu483Ter)

Gene: ARSA (arylsulfatase A; minus strand). Cytogenetic location: 22q13.33.
Variant type: single nucleotide variant.
Coding change: c.1447G>T on transcript NM_000487.6 (MANE Select); coding-DNA position 1447, G replaced by T.
Protein change: p.Glu483Ter; replaces glutamic acid 483 with a stop codon.
Molecular consequence: nonsense.
Genome position (GRCh38, 1-based): chr22:50,625,228, C>A on the plus strand (G>T on the coding strand, the complement: ARSA is on the minus strand). VCF-style: chr22-50625228-C-A. GRCh37 (hg19) VCF-style: chr22-51063656-C-A.
Other names: c.1447G>T, p.Glu483Ter (NM_001085425.3, NM_001085426.3, NM_001085427.3); c.1189G>T, p.Glu397Ter (NM_001085428.3, NM_001362782.2); short protein forms E483*, E397*.
Identifiers: ClinVar variation 941799 (VCV000941799.13), dbSNP rs148352371, ClinGen allele CA10324725.